The following is an entry in ClinVar:

NM_001005741.3(GBA1):c.-68-135A>G

Gene: GBA1 (glucosylceramidase beta 1; minus strand). Cytogenetic location: 1q22.
Variant type: single nucleotide variant.
Coding change: c.-68-135A>G on transcript NM_001005741.3; 135 bases into the intron before 68 bases upstream of the start codon, A replaced by G.
Molecular consequence: intron variant.
Genome position (GRCh38, 1-based): chr1:155,241,315, T>C on the plus strand (A>G on the coding strand, the complement: GBA1 is on the minus strand). VCF-style: chr1-155241315-T-C. GRCh37 (hg19) VCF-style: chr1-155211106-T-C.
Other names: c.-146-1238A>G (NM_001171811.2); c.-49-154A>G (NM_001005742.3).
Identifiers: ClinVar variation 558789 (VCV000558789.35), dbSNP rs188978150, ClinGen allele CA15106608.

ClinVar aggregate classification (germline): Conflicting classifications of pathogenicity. Review status: criteria provided, conflicting classifications (1 of 4 stars). 4 submissions from 4 submitters: Uncertain significance (2); Benign (1). 1 of the submissions does not count toward it. Last evaluated 2026-03-24.

Conditions:
GBA1-related disorder. Also called: GBA1-related condition.
Gaucher disease. Also called: Acute cerebral Gaucher disease; Cerebroside lipidosis syndrome; Gaucher splenomegaly; Sphingolipidosis 1; Glucocerebrosidosis; Glucosylceramidase deficiency. Identifiers: Orphanet 355, MedGen C0017205, MONDO:0018150.

Allele frequency attached by ClinVar (database versions not stated): gnomAD 0.00977 and 0.00961; TOPMed 0.00983; gnomAD exomes 0.01268; 1000 Genomes Project 30x 0.00734; 1000 Genomes Project 0.00779.
gnomAD v4.1: 7,617 of 635,964 alleles (1.2%); highest among the groups gnomAD compares: Non-Finnish European, 1.4%; 53 homozygotes.

Submissions (4):

PreventionGenetics, part of Exact Sciences
Classification: Uncertain significance for GBA1-related condition. Last evaluated: 2026-03-24. Review status: criteria provided, single submitter. Criteria: ACMG Guidelines, 2015. Collection method: clinical testing. Allele origin: germline.
Comment: The GBA1 c.-68-135A>G variant is located in the 5' untranslated region. This variant is also reported as c.-203 A>G. This variant has been classified as a functional polymorphism that decreases the strength of the promoter. It is considered benign for Mendelian inheritance of Gaucher disease, but it may potentiate the phenotype in biallelic carriers (Alfonso et al. 2011. PubMed ID: 21087600), or late onset Parkinson disease ((1)-039.pdf). Although we suspect that this variant may be benign, at this time, the clinical significance of this variant is uncertain due to the absence of conclusive functional and genetic evidence.

CeGaT Center for Human Genetics Tuebingen
Classification: Benign. Last evaluated: 2023-07-01. Review status: criteria provided, single submitter. Criteria: CeGaT Center For Human Genetics Tuebingen Variant Classification Criteria Version 2. Collection method: clinical testing. Allele origin: germline. Affected: yes. Observed: 12 variant alleles.
Comment: GBA1: BS1, BS2

Department of Pathology and Laboratory Medicine, Sinai Health System
Classification: Uncertain significance for Gaucher disease. Last evaluated: 2023-04-19. Review status: criteria provided, single submitter. Criteria: ACMG Guidelines, 2015. Collection method: research. Allele origin: germline.

Mayo Clinic Laboratories, Mayo Clinic
Classification: Uncertain significance. Last evaluated: 2017-04-18. Review status: no assertion criteria provided. Collection method: clinical testing. Allele origin: unknown. Not counted in ClinVar's aggregate classification.